The following is an entry in ClinVar:

ClinVar aggregate classification (germline): Uncertain significance. Review status: criteria provided, multiple submitters, no conflicts (2 of 4 stars). 2 submissions from 2 submitters: Uncertain significance (2). Last evaluated 2024-12-10.

Conditions:
Inborn genetic diseases. Identifiers: MedGen C0950123, MeSH D030342.

Allele frequency attached by ClinVar (database versions not stated): TOPMed below 0.00001; gnomAD 0.00001; gnomAD exomes 0.00001.
gnomAD v4.1: 6 of 1,613,862 alleles (0.00037%); highest among the groups gnomAD compares: Middle Eastern, 0.016%; no homozygotes.

Submissions (2):

Ambry Genetics
Classification: Uncertain significance for Inborn genetic diseases. Last evaluated: 2024-12-10. Review status: criteria provided, single submitter. Criteria: Ambry Variant Classification Scheme 2023. Collection method: clinical testing. Allele origin: germline.

GeneDx
Classification: Uncertain significance. Last evaluated: 2022-04-28. Review status: criteria provided, single submitter. Criteria: GeneDx Variant Classification Process June 2021. Collection method: clinical testing. Allele origin: germline. Affected: yes.
Comment: Not observed at significant frequency in large population cohorts (gnomAD); In silico analysis supports that this missense variant does not alter protein structure/function; Has not been previously published as pathogenic or benign to our knowledge

NM_014112.5(TRPS1):c.1943G>A (p.Ser648Asn)

Gene: TRPS1 (transcriptional repressor GATA binding 1; minus strand). Cytogenetic location: 8q23.3.
Variant type: single nucleotide variant.
Coding change: c.1943G>A on transcript NM_014112.5 (MANE Select); coding-DNA position 1943, G replaced by A.
Protein change: p.Ser648Asn; replaces serine 648 with asparagine.
Molecular consequence: missense variant.
Genome position (GRCh38, 1-based): chr8:115,604,026, C>T on the plus strand (G>A on the coding strand, the complement: TRPS1 is on the minus strand). VCF-style: chr8-115604026-C-T. GRCh37 (hg19) VCF-style: chr8-116616253-C-T.
Other names: c.1916G>A, p.Ser639Asn (NM_001282902.3); c.1922G>A, p.Ser641Asn (NM_001282903.3); c.1904G>A, p.Ser635Asn (NM_001330599.2); short protein forms S635N, S639N, S641N, S648N.
Identifiers: ClinVar variation 1712784 (VCV001712784.3), dbSNP rs1817970148, ClinGen allele CA372066278.